The following is an entry in ClinVar:

NM_000334.4(SCN4A):c.2225G>A (p.Trp742Ter)

Genes: GH-LCR (growth hormone locus control region; plus strand), SCN4A (sodium voltage-gated channel alpha subunit 4; minus strand). Cytogenetic location: 17q23.3.
Variant type: single nucleotide variant.
Coding change: c.2225G>A on transcript NM_000334.4 (MANE Select); coding-DNA position 2225, G replaced by A.
Protein change: p.Trp742Ter; replaces tryptophan 742 with a stop codon.
Molecular consequence: nonsense.
Genome position (GRCh38, 1-based): chr17:63,957,313, C>T on the plus strand (G>A on the coding strand, the complement: SCN4A is on the minus strand). VCF-style: chr17-63957313-C-T. GRCh37 (hg19) VCF-style: chr17-62034673-C-T.
Other names: short protein forms W742*.
Identifiers: ClinVar variation 4884185 (VCV004884185.2).

ClinVar aggregate classification (germline): Likely pathogenic (1 of 4 stars; one submission).

gnomAD v4.1: 1 of 1,614,160 alleles (0.000062%); highest among the groups gnomAD compares: South Asian, 0.0011%; no homozygotes.

Submission:

Dasa
Classification: Likely pathogenic. Last evaluated: 2025-06-12. Review status: criteria provided, single submitter. Criteria: DASA Assertion Criteria. Collection method: clinical testing. Allele origin: germline.
Comment: NM_000334.4(SCN4A):c.2225G>A (p.Trp742*) is a nonsense variant in SCN4A predicted to introduce a premature termination codon and is predicted to result in an absent or altered protein product. Loss of function is an established disease mechanism for SCN4A-associated disorders. Also, this variant is rare in population databases. Based on the currently available evidence, this variant is classified as likely pathogenic.